The following is an entry in ClinVar:

ClinVar aggregate classification (germline): Uncertain significance (1 of 4 stars; one submission).

Conditions:
Cardiovascular phenotype. Identifiers: MedGen CN230736.

Submission:

Ambry Genetics
Classification: Uncertain significance for Cardiovascular phenotype. Last evaluated: 2026-08-25. Review status: criteria provided, single submitter. Criteria: Ambry Variant Classification Scheme 2023. Collection method: clinical testing. Allele origin: germline.
Comment: The c.639+4G>C intronic variant results from a G to C substitution 4 nucleotides after coding exon 5 in the MYH7 gene. This nucleotide position is not well conserved in available vertebrate species. In silico splice site analysis predicts that this alteration will not have any significant effect on splicing. Based on the available evidence, the clinical significance of this variant remains unclear.

NM_000257.4(MYH7):c.639+4G>C

Gene: MYH7 (myosin heavy chain 7; minus strand). Cytogenetic location: 14q11.2.
Variant type: single nucleotide variant.
Coding change: c.639+4G>C on transcript NM_000257.4 (MANE Select); 4 bases into the intron after coding-DNA position 639, G replaced by C.
Molecular consequence: intron variant.
Genome position (GRCh38, 1-based): chr14:23,431,757, C>G on the plus strand (G>C on the coding strand, the complement: MYH7 is on the minus strand). VCF-style: chr14-23431757-C-G. GRCh37 (hg19) VCF-style: chr14-23900966-C-G.
Other names: c.639+4G>C (NM_001407004.1).
Identifiers: ClinVar variation 5025178 (VCV005025178.1).